The following is an entry in ClinVar:

ClinVar aggregate classification (germline): Conflicting classifications of pathogenicity. Review status: criteria provided, conflicting classifications (1 of 4 stars). 5 submissions from 5 submitters: Uncertain significance (3); Likely benign (1). 1 of the submissions does not count toward it. Last evaluated 2026-01-08.

Conditions:
NPHP4-related disorder. Also called: NPHP4-related condition; NPHP4-related disorders. Identifiers: MedGen CN239384.
Nephronophthisis. Also called: Juvenile Nephronophthisis. Identifiers: Orphanet 655, MedGen C0687120, MONDO:0019005, HP:0000090.

Allele frequency attached by ClinVar (database versions not stated): gnomAD 0.00016 and 0.00017; TOPMed 0.00012; ExAC 0.00022; ESP Exome Variant Server 0.00024; gnomAD exomes 0.00024.
gnomAD v4.1: 196 of 1,613,432 alleles (0.012%); highest among the groups gnomAD compares: Non-Finnish European, 0.0084%; no homozygotes.

Submissions (5):

Labcorp Genetics (formerly Invitae), Labcorp
Classification: Likely benign for Nephronophthisis. Last evaluated: 2026-01-08. Review status: criteria provided, single submitter. Criteria: Invitae Variant Classification Sherloc (09022015). Collection method: clinical testing. Allele origin: germline.

Blueprint Genetics
Classification: Uncertain significance. Last evaluated: 2024-06-03. Review status: criteria provided, single submitter. Criteria: ACMG Guidelines, 2015. Collection method: clinical testing. Allele origin: germline.

GeneDx
Classification: Uncertain significance. Last evaluated: 2019-05-01. Review status: criteria provided, single submitter. Criteria: GeneDx Variant Classification Process June 2021. Collection method: clinical testing. Allele origin: germline. Affected: yes.
Comment: In silico analysis, which includes protein predictors and evolutionary conservation, supports a deleterious effect; Has not been previously published as pathogenic or benign to our knowledge

Eurofins Ntd Llc (ga)
Classification: Uncertain significance. Last evaluated: 2017-06-29. Review status: criteria provided, single submitter. Criteria: EGL Classification Definitions 2015. Collection method: clinical testing. Allele origin: germline. Observed: 2 variant alleles, 2 heterozygotes.

PreventionGenetics, part of Exact Sciences
Classification: Likely benign for NPHP4-related condition. Last evaluated: 2023-01-24. Review status: no assertion criteria provided. Collection method: clinical testing. Allele origin: germline. Not counted in ClinVar's aggregate classification.
Comment: This variant is classified as likely benign based on ACMG/AMP sequence variant interpretation guidelines (Richards et al. 2015 PMID: 25741868, with internal and published modifications).

NM_015102.5(NPHP4):c.3028G>A (p.Asp1010Asn)

Gene: NPHP4 (nephrocystin 4; minus strand). Cytogenetic location: 1p36.31.
Variant type: single nucleotide variant.
Coding change: c.3028G>A on transcript NM_015102.5 (MANE Select); coding-DNA position 3028, G replaced by A.
Protein change: p.Asp1010Asn; replaces aspartic acid 1010 with asparagine.
Molecular consequence: missense variant. On other transcripts: non-coding transcript variant (1).
Genome position (GRCh38, 1-based): chr1:5,874,890, C>T on the plus strand (G>A on the coding strand, the complement: NPHP4 is on the minus strand). VCF-style: chr1-5874890-C-T. GRCh37 (hg19) VCF-style: chr1-5934950-C-T.
Other names: c.1489G>A, p.Asp497Asn (NM_001291593.2); c.1492G>A, p.Asp498Asn (NM_001291594.2); short protein forms D1010N, D497N, D498N.
Identifiers: ClinVar variation 195609 (VCV000195609.20), dbSNP rs200166175, ClinGen allele CA242085.